The following is an entry in ClinVar:

ClinVar aggregate classification (germline): Uncertain significance. Review status: criteria provided, single submitter (1 of 4 stars). 2 submissions from 2 submitters: Uncertain significance (1). 1 of the submissions does not count toward it. Last evaluated 2026-04-14.

Conditions:
Progressive familial intrahepatic cholestasis type 2. Identifiers: Orphanet 79304, MedGen C3489789, MONDO:0011156, OMIM 601847.
Familial intrahepatic cholestasis. Identifiers: Orphanet 284385, MedGen CN296401, MONDO:0017290.

Submissions (2):

Genomenon, Inc
Classification: Uncertain significance for Familial intrahepatic cholestasis. Last evaluated: 2026-04-14. Review status: criteria provided, single submitter. Criteria: Genomenon Sequence Variant Interpretation Standards - Updated. Collection method: curation. Allele origin: germline. Affected: yes.
Comment: ABCB11 p.Arg1221Lys (c.3662G>A) is a missense variant that changes the amino acid at residue 1221 from Arginine to Lysine. This variant has been observed in at least one proband with an ABCB11-related disorder (PMID:30899697). The variant was found to segregate with disease in at least one affected family (PMID:30899697). It is absent or not present at a significant frequency in gnomAD. In conclusion, we classify ABCB11 p.Arg1221Lys (c.3662G>A) as a variant of uncertain significance.

Molecular Diagnostics Laboratory, Seoul National University Hospital
Classification: Pathogenic for Progressive familial intrahepatic cholestasis type 2. Review status: no assertion criteria provided. Collection method: clinical testing. Allele origin: unknown. Affected: yes. Not counted in ClinVar's aggregate classification.

Literature cited by the submitters: PubMed 30899697 (cited by Genomenon, Inc).

NM_003742.4(ABCB11):c.3662G>A (p.Arg1221Lys)

Gene: ABCB11 (ATP binding cassette subfamily B member 11; minus strand). Cytogenetic location: 2q31.1.
Variant type: single nucleotide variant.
Coding change: c.3662G>A on transcript NM_003742.4 (MANE Select); coding-DNA position 3662, G replaced by A.
Protein change: p.Arg1221Lys; replaces arginine 1221 with lysine.
Molecular consequence: missense variant.
Genome position (GRCh38, 1-based): chr2:168,924,760, C>T on the plus strand (G>A on the coding strand, the complement: ABCB11 is on the minus strand). VCF-style: chr2-168924760-C-T. GRCh37 (hg19) VCF-style: chr2-169781270-C-T.
Other names: short protein forms R1221K.
Identifiers: ClinVar variation 1706605 (VCV001706605.2), dbSNP rs2545228941, ClinGen allele CA349118268.